The following is an entry in ClinVar:

NM_004168.4(SDHA):c.447C>G (p.Ala149=)

Gene: SDHA (succinate dehydrogenase complex flavoprotein subunit A; plus strand). Cytogenetic location: 5p15.33.
Variant type: single nucleotide variant.
Coding change: c.447C>G on transcript NM_004168.4 (MANE Select); coding-DNA position 447, C replaced by G.
Protein change: p.Ala149=; no amino-acid change (alanine 149 retained).
Molecular consequence: synonymous variant. On other transcripts: intron variant (1).
Genome position (GRCh38, 1-based): chr5:225,553, C>G. VCF-style: chr5-225553-C-G. GRCh37 (hg19) VCF-style: chr5-225668-C-G.
Other names: c.447C>G (NM_004168.2); c.447C>G, p.Ala149= (NM_001330758.2); c.313-330C>G (NM_001294332.2).
Identifiers: ClinVar variation 795343 (VCV000795343.10), dbSNP rs752187837, ClinGen allele CA442691012.

ClinVar aggregate classification (germline): Benign/Likely benign. Review status: criteria provided, multiple submitters, no conflicts (2 of 4 stars). 3 submissions from 3 submitters: Benign (1); Likely benign (2). Last evaluated 2025-02-28.

Conditions:
Pheochromocytoma/paraganglioma syndrome 5. Also called: Paragangliomas 5; SDHA-Related Hereditary Paraganglioma-Pheochromocytoma Syndrome. Identifiers: Orphanet 29072, MedGen C3279992, MONDO:0013602, OMIM 614165.
Mitochondrial complex II deficiency, nuclear type 1. Also called: SUCCINATE CoQ REDUCTASE DEFICIENCY. Identifiers: Orphanet 3208, MedGen C5700310, MONDO:0100294, OMIM 252011.
Hereditary cancer-predisposing syndrome. Also called: Tumor predisposition; Hereditary neoplastic syndrome; Neoplastic Syndromes, Hereditary; Hereditary Cancer Syndrome. Identifiers: Orphanet 140162, MedGen C0027672, MeSH D009386, MONDO:0015356.

gnomAD v4.1: 6 of 1,613,866 alleles (0.00037%); highest among the groups gnomAD compares: Non-Finnish European, 0.00042%; no homozygotes.

Submissions (3):

Myriad Genetics, Inc.
Classification: Benign for Pheochromocytoma/paraganglioma syndrome 5. Last evaluated: 2025-02-28. Review status: criteria provided, single submitter. Criteria: Myriad Autosomal Dominant, Autosomal Recessive and X-Linked Classification Criteria (2023). Collection method: clinical testing. Allele origin: unknown.
Comment: This variant is considered benign. This variant is a silent/synonymous amino acid change and it is not expected to impact splicing.

Ambry Genetics
Classification: Likely benign for Hereditary cancer-predisposing syndrome. Last evaluated: 2024-05-17. Review status: criteria provided, single submitter. Criteria: Ambry Variant Classification Scheme 2023. Collection method: clinical testing. Allele origin: germline.

Labcorp Genetics (formerly Invitae), Labcorp
Classification: Likely benign for Pheochromocytoma/paraganglioma syndrome 5; Mitochondrial complex II deficiency, nuclear type 1. Last evaluated: 2022-12-23. Review status: criteria provided, single submitter. Criteria: Invitae Variant Classification Sherloc (09022015). Collection method: clinical testing. Allele origin: germline.